The following is an entry in ClinVar:

ClinVar aggregate classification (germline): Uncertain significance. Review status: criteria provided, single submitter (1 of 4 stars). 2 submissions from 2 submitters: Uncertain significance (1). 1 of the submissions does not count toward it. Last evaluated 2024-06-17.

Conditions:
ALG3-congenital disorder of glycosylation. Also called: CONGENITAL DISORDER OF GLYCOSYLATION, TYPE Id; CDG Id; ALG3-CDG; CARBOHYDRATE-DEFICIENT GLYCOPROTEIN SYNDROME, TYPE IV; CDGS, TYPE IV. Identifiers: Orphanet 79321, MedGen C1832736, MONDO:0010998, OMIM 601110.

Allele frequency attached by ClinVar (database versions not stated): gnomAD exomes below 0.00001; gnomAD 0.00001; TOPMed 0.00001.
gnomAD v4.1: 7 of 1,610,922 alleles (0.00043%); highest among the groups gnomAD compares: African/African-American, 0.0013%; no homozygotes.

Submissions (2):

Women's Health and Genetics/Laboratory Corporation of America, LabCorp
Classification: Uncertain significance. Last evaluated: 2024-06-17. Review status: criteria provided, single submitter. Criteria: LabCorp Variant Classification Summary - May 2015. Collection method: clinical testing. Allele origin: germline.
Comment: Variant summary: ALG3 c.656T>C (p.Leu219Pro) results in a non-conservative amino acid change in the encoded protein sequence. Five of five in-silico tools predict a damaging effect of the variant on protein function. The variant was absent in 243196 control chromosomes. The available data on variant occurrences in the general population are insufficient to allow any conclusion about variant significance. c.656T>C has been reported in the literature in the presumed compound heterozygous state in at least 1 individual affected with ALG3-congenital disorder of glycosylation (example, Alsharhan_2021, Dang_2023). These data do not allow any conclusion about variant significance. To our knowledge, no experimental evidence demonstrating an impact on protein function has been reported. The following publications have been ascertained in the context of this evaluation (PMID: 33583022, 36719165). ClinVar contains an entry for this variant (Variation ID: 1184846). Based on the evidence outlined above, the variant was classified as uncertain significance.

University of Washington Center for Mendelian Genomics, University of Washington
Classification: Pathogenic for ALG3-congenital disorder of glycosylation. Review status: no assertion criteria provided. Collection method: research. Allele origin: inherited. Affected: yes. Not counted in ClinVar's aggregate classification.

Literature cited by the submitters: PubMed 33583022 (cited by Women's Health and Genetics/Laboratory Corporation of America, LabCorp and University of Washington Center for Mendelian Genomics, University of Washington); PubMed 36719165 (cited by Women's Health and Genetics/Laboratory Corporation of America, LabCorp).

NM_005787.6(ALG3):c.656T>C (p.Leu219Pro)

Gene: ALG3 (ALG3 alpha-1,3- mannosyltransferase; minus strand). Cytogenetic location: 3q27.1.
Variant type: single nucleotide variant.
Coding change: c.656T>C on transcript NM_005787.6 (MANE Select); coding-DNA position 656, T replaced by C.
Protein change: p.Leu219Pro; replaces leucine 219 with proline.
Molecular consequence: missense variant. On other transcripts: non-coding transcript variant (2).
Genome position (GRCh38, 1-based): chr3:184,244,671, A>G on the plus strand (T>C on the coding strand, the complement: ALG3 is on the minus strand). VCF-style: chr3-184244671-A-G. GRCh37 (hg19) VCF-style: chr3-183962459-A-G.
Other names: c.512T>C, p.Leu171Pro (NM_001006941.2); short protein forms L171P, L219P.
Identifiers: ClinVar variation 1184846 (VCV001184846.2), dbSNP rs1423328264, ClinGen allele CA355420480.